The following is an entry in ClinVar:

ClinVar aggregate classification (germline): Benign/Likely benign. Review status: criteria provided, multiple submitters, no conflicts (2 of 4 stars). 14 submissions from 14 submitters: Benign (2); Likely benign (8). 4 of the submissions do not count toward it. Last evaluated 2026-02-03.

Conditions:
Classic or attenuated familial adenomatous polyposis. Identifiers: MedGen CN372698, MONDO:0021057.
Hereditary cancer-predisposing syndrome. Also called: Tumor predisposition; Neoplastic Syndromes, Hereditary; Hereditary Cancer Syndrome; Hereditary neoplastic syndrome. Identifiers: Orphanet 140162, MedGen C0027672, MeSH D009386, MONDO:0015356.
Familial adenomatous polyposis 1 (FAP1). Also called: POLYPOSIS, ADENOMATOUS INTESTINAL; FAMILIAL ADENOMATOUS POLYPOSIS 1, ATTENUATED. Identifiers: MedGen C2713442, MONDO:0021056, OMIM 175100. Disease mechanism: loss of function.

Allele frequency attached by ClinVar (database versions not stated): ExAC 0.00003; gnomAD exomes 0.00003 and 0.00008; TOPMed 0.00003; gnomAD 0.00001; ESP Exome Variant Server 0.00008.
gnomAD v4.1: 119 of 1,613,730 alleles (0.0074%); highest among the groups gnomAD compares: Non-Finnish European, 0.0092%; no homozygotes.

Submissions (14):

Labcorp Genetics (formerly Invitae), Labcorp
Classification: Likely benign for Familial adenomatous polyposis 1. Last evaluated: 2026-02-03. Review status: criteria provided, single submitter. Criteria: Invitae Variant Classification Sherloc (09022015). Collection method: clinical testing. Allele origin: germline.

Center for Genomic Medicine, Rigshospitalet, Copenhagen University Hospital
Classification: Likely benign. Last evaluated: 2025-03-04. Review status: criteria provided, single submitter. Criteria: ACMG Guidelines, 2015. Collection method: clinical testing. Allele origin: germline.

All of Us Research Program, National Institutes of Health
Classification: Likely benign for Classic or attenuated familial adenomatous polyposis. Last evaluated: 2023-12-13. Review status: criteria provided, single submitter. Criteria: ACMG Guidelines, 2015. Collection method: clinical testing. Allele origin: germline. Inheritance: Autosomal dominant inheritance. Observed: 9 variant alleles, 9 heterozygotes.
Comment: This study involves interpretation of variants in research participants for the purpose of population health screening. Participant phenotype was not available at the time of variant classification. Additional details can be found in publication PMID: 35346344, PMCID: PMC8962531

Myriad Genetics, Inc.
Classification: Benign for Familial adenomatous polyposis 1. Last evaluated: 2023-02-17. Review status: criteria provided, single submitter. Criteria: Myriad Autosomal Dominant, Autosomal Recessive and X-Linked Classification Criteria (2023). Collection method: clinical testing. Allele origin: unknown.
Comment: This variant is considered benign. This variant is a silent/synonymous amino acid change and it is not expected to impact splicing.

CeGaT Center for Human Genetics Tuebingen
Classification: Likely benign. Last evaluated: 2022-08-01. Review status: criteria provided, single submitter. Criteria: CeGaT Center For Human Genetics Tuebingen Variant Classification Criteria Version 2. Collection method: clinical testing. Allele origin: germline. Affected: yes. Observed: 1 variant allele.
Comment: APC: BP4

Sema4
Classification: Likely benign for Hereditary cancer-predisposing syndrome. Last evaluated: 2021-05-17. Review status: criteria provided, single submitter. Criteria: Sema4 Curation Guidelines. Collection method: curation. Allele origin: germline.

PreventionGenetics, part of Exact Sciences
Classification: Likely benign. Last evaluated: 2017-10-16. Review status: criteria provided, single submitter. Criteria: ACMG Guidelines, 2015. Collection method: clinical testing. Allele origin: germline.

Color Diagnostics, LLC DBA Color Health
Classification: Likely benign for Hereditary cancer-predisposing syndrome. Last evaluated: 2016-11-22. Review status: criteria provided, single submitter. Criteria: ACMG Guidelines, 2015. Collection method: clinical testing. Allele origin: germline.

GeneDx
Classification: Benign. Last evaluated: 2015-05-26. Review status: criteria provided, single submitter. Criteria: GeneDx Variant Classification (06012015). Collection method: clinical testing. Allele origin: germline. Affected: yes.
Comment: This variant is considered likely benign or benign based on one or more of the following criteria: it is a conservative change, it occurs at a poorly conserved position in the protein, it is predicted to be benign by multiple in silico algorithms, and/or has population frequency not consistent with disease.

Ambry Genetics
Classification: Likely benign for Hereditary cancer-predisposing syndrome. Last evaluated: 2015-01-13. Review status: criteria provided, single submitter. Criteria: Ambry Variant Classification Scheme 2023. Collection method: clinical testing. Allele origin: germline.

Counsyl
Classification: Likely benign for Familial adenomatous polyposis 1. Last evaluated: 2015-12-01. Review status: no assertion criteria provided. Collection method: clinical testing. Allele origin: unknown. Not counted in ClinVar's aggregate classification.

Clinical Genetics DNA and cytogenetics Diagnostics Lab, Erasmus MC, Erasmus Medical Center
Classification: Likely benign. Review status: no assertion criteria provided. Collection method: clinical testing. Allele origin: germline. Affected: yes. Study: VKGL Data-share Consensus. Not counted in ClinVar's aggregate classification.

Clinical Genetics, Academic Medical Center
Classification: Likely benign. Review status: no assertion criteria provided. Collection method: clinical testing. Allele origin: germline. Affected: yes. Study: VKGL Data-share Consensus. Not counted in ClinVar's aggregate classification.

Joint Genome Diagnostic Labs from Nijmegen and Maastricht, Radboudumc and MUMC+
Classification: Likely benign. Review status: no assertion criteria provided. Collection method: clinical testing. Allele origin: germline. Affected: yes. Study: VKGL Data-share Consensus. Not counted in ClinVar's aggregate classification.

NM_000038.6(APC):c.5805G>A (p.Gln1935=)

Gene: APC (APC regulator of Wnt signaling pathway; plus strand). Cytogenetic location: 5q22.2.
Variant type: single nucleotide variant.
Coding change: c.5805G>A on transcript NM_000038.6 (MANE Select); coding-DNA position 5805, G replaced by A.
Protein change: p.Gln1935=; no amino-acid change (glutamine 1935 retained).
Molecular consequence: synonymous variant.
Genome position (GRCh38, 1-based): chr5:112,841,399, G>A. VCF-style: chr5-112841399-G-A. GRCh37 (hg19) VCF-style: chr5-112177096-G-A.
Other names: c.5805G>A, p.Gln1935= (NM_001127510.3, NM_001354895.2); c.5751G>A, p.Gln1917= (NM_001127511.3); c.5859G>A, p.Gln1953= (NM_001354896.2); c.5835G>A, p.Gln1945= (NM_001354897.2); c.5730G>A, p.Gln1910= (NM_001354898.2); c.5721G>A, p.Gln1907= (NM_001354899.2); c.5682G>A, p.Gln1894= (NM_001354900.2); c.5628G>A, p.Gln1876= (NM_001354901.2); and 5 more.
Identifiers: ClinVar variation 183878 (VCV000183878.61), dbSNP rs377040690, ClinGen allele CA010716.
Genomic context (GRCh38, chr5:112,841,399, plus strand): 5'-GCAGCCAATAAATCGAGGTCAGCCTAAACCCATACTTCAGAAACAATCCACTTTTCCCCA[G>A]TCATCCAAAGACATACCAGACAGAGGGGCAGCAACTGATGAAAAGTTACAGAATTTTGCT-3'
Protein context (NP_000029.2, residues 1925-1945): PILQKQSTFP[Gln1935=]SSKDIPDRGA